The following is an entry in ClinVar:

NM_001370704.1(APOLTP):c.6507C>T (p.Ser2169=)

Gene: APOLTP (apolipoprotein lipid transfer particle homolog; minus strand). Cytogenetic location: 16p13.13.
Variant type: single nucleotide variant.
Coding change: c.6507C>T on transcript NM_001370704.1 (MANE Select); coding-DNA position 6507, C replaced by T.
Protein change: p.Ser2169=; no amino-acid change (serine 2169 retained).
Molecular consequence: synonymous variant.
Genome position (GRCh38, 1-based): chr16:11,417,717, G>A on the plus strand (C>T on the coding strand, the complement: APOLTP is on the minus strand). VCF-style: chr16-11417717-G-A. GRCh37 (hg19) VCF-style: chr16-11511573-G-A.
Other names: c.6345C>T, p.Ser2115= (NM_001395505.1).
Identifiers: ClinVar variation 2646220 (VCV002646220.24), dbSNP rs757047691, ClinGen allele CA7903307.
Genomic context (GRCh38, chr16:11,417,717, plus strand): 5'-GCAGGCCTCGCCTGGGAACCCTGCCCACAACAAAGCCTCACTGTTGTGCCAGCTCCGGCC[G>A]GAGAGCTCCAGGTGCCCATCATGGTAATAGCAGCTCACAGAGTAGTTGAGGAATGTGGGC-3'
Protein context (NP_001357633.1, residues 2159-2179): CYYHDGHLEL[Ser2169=]GRSWHNSEAL

ClinVar aggregate classification (germline): Likely benign (1 of 4 stars; one submission).

Allele frequency attached by ClinVar (database versions not stated): gnomAD 0.00029; gnomAD exomes 0.00058; ExAC 0.00201.
gnomAD v4.1: 189 of 399,190 alleles (0.047%); highest among the groups gnomAD compares: Non-Finnish European, 0.072%; no homozygotes.

Submission:

CeGaT Center for Human Genetics Tuebingen
Classification: Likely benign. Last evaluated: 2022-09-01. Review status: criteria provided, single submitter. Criteria: CeGaT Center For Human Genetics Tuebingen Variant Classification Criteria Version 2. Collection method: clinical testing. Allele origin: germline. Affected: yes. Observed: 1 variant allele.
Comment: LOC400499: BP4, BP7